The following is an entry in ClinVar:

NM_001370298.3(FGD4):c.2477T>G (p.Ile826Ser)

Gene: FGD4 (FYVE, RhoGEF and PH domain containing 4; plus strand). Cytogenetic location: 12p11.21.
Variant type: single nucleotide variant.
Coding change: c.2477T>G on transcript NM_001370298.3 (MANE Select); coding-DNA position 2477, T replaced by G.
Protein change: p.Ile826Ser; replaces isoleucine 826 with serine.
Molecular consequence: missense variant.
Genome position (GRCh38, 1-based): chr12:32,640,298, T>G. VCF-style: chr12-32640298-T-G. GRCh37 (hg19) VCF-style: chr12-32793232-T-G.
Other names: c.2321T>G, p.Ile774Ser (NM_001304481.2); c.1034T>G, p.Ile345Ser (NM_001304484.2); c.1787T>G, p.Ile596Ser (NM_001330373.2, NM_001330374.2, NM_001384130.1); c.1514T>G, p.Ile505Ser (NM_001370297.1); c.2477T>G, p.Ile826Ser (NM_001384126.1); c.2066T>G, p.Ile689Ser (NM_001384127.1, NM_001384128.1, NM_001385118.1 and 1 more transcripts); short protein forms I596S, I774S, I826S, I345S, I505S, I689S.
Identifiers: ClinVar variation 1785295 (VCV001785295.2), dbSNP rs2540868022, ClinGen allele CA384372269.

ClinVar aggregate classification (germline): Uncertain significance (1 of 4 stars; one submission).

Conditions:
Inborn genetic diseases. Identifiers: MedGen C0950123, MeSH D030342.

Submission:

Ambry Genetics
Classification: Uncertain significance for Inborn genetic diseases. Last evaluated: 2020-02-14. Review status: criteria provided, single submitter. Criteria: Ambry Variant Classification Scheme 2023. Collection method: clinical testing. Allele origin: germline.
Comment: The p.I689S variant (also known as c.2066T>G), located in coding exon 15 of the FGD4 gene, results from a T to G substitution at nucleotide position 2066. The isoleucine at codon 689 is replaced by serine, an amino acid with dissimilar properties. This amino acid position is highly conserved in available vertebrate species. In addition, this alteration is predicted to be deleterious by in silico analysis. Since supporting evidence is limited at this time, the clinical significance of this alteration remains unclear.